The following is an entry in ClinVar:

NM_003480.4(MFAP5):c.5C>T (p.Ser2Leu)

Gene: MFAP5 (microfibril associated protein 5; minus strand). Cytogenetic location: 12p13.31.
Variant type: single nucleotide variant.
Coding change: c.5C>T on transcript NM_003480.4 (MANE Select); coding-DNA position 5, C replaced by T.
Protein change: p.Ser2Leu; replaces serine 2 with leucine.
Molecular consequence: missense variant. On other transcripts: non-coding transcript variant (2).
Genome position (GRCh38, 1-based): chr12:8,662,100, G>A on the plus strand (C>T on the coding strand, the complement: MFAP5 is on the minus strand). VCF-style: chr12-8662100-G-A. GRCh37 (hg19) VCF-style: chr12-8814696-G-A.
Other names: c.5C>T (NM_003480.2); c.5C>T, p.Ser2Leu (NM_001297709.2, NM_001297710.2, NM_001297711.2 and 1 more transcripts); short protein forms S2L.
Identifiers: ClinVar variation 1920065 (VCV001920065.6), dbSNP rs753275305, ClinGen allele CA6434814.

ClinVar aggregate classification (germline): Conflicting classifications of pathogenicity. Review status: criteria provided, conflicting classifications (1 of 4 stars). 2 submissions from 2 submitters: Uncertain significance (1); Likely benign (1). Last evaluated 2026-01-25.

Conditions:
Cardiovascular phenotype. Identifiers: MedGen CN230736.

Allele frequency attached by ClinVar (database versions not stated): ExAC 0.00001; gnomAD exomes 0.00001; gnomAD 0.00002; TOPMed 0.00002.
gnomAD v4.1: 11 of 1,613,316 alleles (0.00068%); highest among the groups gnomAD compares: South Asian, 0.0066%; no homozygotes.

Submissions (2):

Ambry Genetics
Classification: Likely benign for Cardiovascular phenotype. Last evaluated: 2026-01-25. Review status: criteria provided, single submitter. Criteria: Ambry Variant Classification Scheme 2023. Collection method: clinical testing. Allele origin: germline.

Labcorp Genetics (formerly Invitae), Labcorp
Classification: Uncertain significance. Last evaluated: 2022-07-01. Review status: criteria provided, single submitter. Criteria: Invitae Variant Classification Sherloc (09022015). Collection method: clinical testing. Allele origin: germline.
Comment: Algorithms developed to predict the effect of missense changes on protein structure and function output the following: SIFT: "Tolerated"; PolyPhen-2: "Benign"; Align-GVGD: "Class C0". The leucine amino acid residue is found in multiple mammalian species, which suggests that this missense change does not adversely affect protein function. In summary, the available evidence is currently insufficient to determine the role of this variant in disease. Therefore, it has been classified as a Variant of Uncertain Significance. This variant has not been reported in the literature in individuals affected with MFAP5-related conditions. This sequence change replaces serine, which is neutral and polar, with leucine, which is neutral and non-polar, at codon 2 of the MFAP5 protein (p.Ser2Leu). The frequency data for this variant in the population databases is considered unreliable, as metrics indicate poor data quality at this position in the gnomAD database.